The following is an entry in ClinVar:

ClinVar aggregate classification (germline): Benign/Likely benign. Review status: criteria provided, multiple submitters, no conflicts (2 of 4 stars). 4 submissions from 4 submitters: Benign (2); Likely benign (2). Last evaluated 2026-02-01.

Conditions:
Glycogen storage disease due to muscle and heart glycogen synthase deficiency. Also called: GSD 0b; MUSCLE GLYCOGEN SYNTHASE DEFICIENCY. Identifiers: Orphanet 137625, MedGen C1969054, MONDO:0012693, OMIM 611556.

Allele frequency attached by ClinVar (database versions not stated): gnomAD exomes 0.00051 and 0.00124; ExAC 0.00234; ESP Exome Variant Server 0.00588; gnomAD 0.00589 and 0.00624; 1000 Genomes Project 0.00599; TOPMed 0.00613; 1000 Genomes Project 30x 0.00687.
gnomAD v4.1: 1,630 of 1,545,038 alleles (0.11%); highest among the groups gnomAD compares: African/African-American, 2%; 12 homozygotes.

Submissions (4):

Labcorp Genetics (formerly Invitae), Labcorp
Classification: Benign for Glycogen storage disease due to muscle and heart glycogen synthase deficiency. Last evaluated: 2026-02-01. Review status: criteria provided, single submitter. Criteria: Invitae Variant Classification Sherloc (09022015). Collection method: clinical testing. Allele origin: germline.

Mayo Clinic Laboratories, Mayo Clinic
Classification: Benign. Last evaluated: 2025-03-28. Review status: criteria provided, single submitter. Criteria: ACMG Guidelines, 2015. Collection method: clinical testing. Allele origin: germline. Observed: 5 variant alleles.
Comment: BA1, BP4, BP7

Blueprint Genetics
Classification: Likely benign. Last evaluated: 2024-11-14. Review status: criteria provided, single submitter. Criteria: ACMG Guidelines, 2015. Collection method: clinical testing. Allele origin: germline.

GeneDx
Classification: Likely benign. Last evaluated: 2020-10-17. Review status: criteria provided, single submitter. Criteria: GeneDx Variant Classification Process June 2021. Collection method: clinical testing. Allele origin: germline. Affected: yes.

NM_002103.5(GYS1):c.2013C>T (p.Asp671=)

Gene: GYS1 (glycogen synthase 1; minus strand). Cytogenetic location: 19q13.33.
Variant type: single nucleotide variant.
Coding change: c.2013C>T on transcript NM_002103.5 (MANE Select); coding-DNA position 2013, C replaced by T.
Protein change: p.Asp671=; no amino-acid change (aspartic acid 671 retained).
Molecular consequence: synonymous variant. On other transcripts: non-coding transcript variant (1).
Genome position (GRCh38, 1-based): chr19:48,969,489, G>A on the plus strand (C>T on the coding strand, the complement: GYS1 is on the minus strand). VCF-style: chr19-48969489-G-A. GRCh37 (hg19) VCF-style: chr19-49472746-G-A.
Other names: p.Asp671=; c.1821C>T, p.Asp607= (NM_001161587.2).
Identifiers: ClinVar variation 329805 (VCV000329805.19), dbSNP rs5452, ClinGen allele CA9562719.